The following is an entry in ClinVar:

NM_001005242.3(PKP2):c.738_742dup (p.Thr248fs)

Gene: PKP2 (plakophilin 2; minus strand). Cytogenetic location: 12p11.21.
Variant type: Duplication.
Coding change: c.738_742dup on transcript NM_001005242.3 (MANE Select); coding-DNA positions 738 to 742, 5 bases duplicated (AGGGA; older notation c.738_742dupAGGGA).
Protein change: p.Thr248fs; shifts the reading frame from threonine 248.
Molecular consequence: frameshift variant.
Genome position (GRCh38, 1-based): chr12:32,878,138-32,878,142, TCCCT duplicated on the plus strand (AGGGA on the coding strand, the reverse complement: PKP2 is on the minus strand). VCF-style (leftmost placement, unchanged base first): chr12-32878137-G-GTCCCT. GRCh37 (hg19) VCF-style: chr12-33031071-G-GTCCCT.
Other names: p.Thr248Lysfs*17; c.738_742dup, p.Thr248fs (NM_001407155.1, NM_001407156.1, NM_001407157.1 and 2 more transcripts); c.411_415dup, p.Thr139fs (NM_001407158.1, NM_001407159.1, NM_001407160.1 and 1 more transcripts); short protein forms T139fs, T248fs.
Identifiers: ClinVar variation 3383985 (VCV003383985.2).
Genomic context (GRCh38, chr12:32,878,137, plus strand): 5'-ACAGTGAGCCCTGCCGTCAGGTAGTTCTCCTTCTCCAAGAGGTTGCCCATGCTGCGGCTG[G>GTCCCT]TCCCTGGCCTGGGGTACGTGAGCAGGGCCGGGTTGGCAGGGATGCTGTCAAAAACGGTGT-3'

ClinVar aggregate classification (germline): Likely pathogenic. Review status: criteria provided, multiple submitters, no conflicts (2 of 4 stars). 2 submissions from 2 submitters: Likely pathogenic (2). Last evaluated 2026-08-27.

Conditions:
Arrhythmogenic right ventricular dysplasia 9 (ARVD9). Also called: ARRHYTHMOGENIC RIGHT VENTRICULAR DYSPLASIA, FAMILIAL, 9; Arrhythmogenic Right Ventricular Dysplasia/Cardiomyopathy 9. Identifiers: MedGen C1836906, MONDO:0012180, OMIM 609040.

Submissions (2):

Department of Molecular Genetics, Istishari Arab Hospital
Classification: Likely pathogenic for Arrhythmogenic right ventricular dysplasia 9. Last evaluated: 2026-08-27. Review status: criteria provided, single submitter. Criteria: ACMG Guidelines, 2015. Collection method: clinical testing. Allele origin: germline. Inheritance: Autosomal dominant inheritance. Affected: yes.
Comment: The PKP2 variant c.738_742dup, p.Thr248Lysfs*17 creates a shift in the reading frame at position 248 in exon 3 (of 13 exons). This variant is not observed in the gnomAD v4.1.0 dataset. It is classified as likely pathogenic according to the recommendations of ACMG/AMP/ClinGen SVI guidelines.

Dubai Health Genomic Medicine Center, Dubai Health
Classification: Likely pathogenic for Arrhythmogenic right ventricular dysplasia 9. Last evaluated: 2024-10-04. Review status: criteria provided, single submitter. Criteria: ACMG Guidelines, 2015. Collection method: research. Allele origin: germline. Affected: yes.
Comment: PVS1,PM2